The following is an entry in ClinVar:

ClinVar aggregate classification (germline): Uncertain significance (1 of 4 stars; one submission).

Conditions:
Hereditary motor and sensory neuropathy, Okinawa type (HMSNO). Also called: HEREDITARY MOTOR AND SENSORY NEUROPATHY, PROXIMAL TYPE. Identifiers: Orphanet 90117, MedGen C1858338, MONDO:0011468, OMIM 604484.

gnomAD v4.1: 1 of 1,614,080 alleles (0.000062%); highest among the groups gnomAD compares: Non-Finnish European, 0.000085%; no homozygotes.

Submission:

Kariminejad - Najmabadi Pathology & Genetics Center
Classification: Uncertain significance for Hereditary motor and sensory neuropathy, Okinawa type. Last evaluated: 2024-08-10. Review status: criteria provided, single submitter. Criteria: ACMG Guidelines, 2015. Collection method: clinical testing. Allele origin: germline. Inheritance: Autosomal dominant inheritance. Affected: yes.
Comment: PM2, PP3

NM_006070.6(TFG):c.1139C>A (p.Pro380His)

Gene: TFG (trafficking from ER to golgi regulator; plus strand). Cytogenetic location: 3q12.2.
Variant type: single nucleotide variant.
Coding change: c.1139C>A on transcript NM_006070.6 (MANE Select); coding-DNA position 1139, C replaced by A.
Protein change: p.Pro380His; replaces proline 380 with histidine.
Molecular consequence: missense variant.
Genome position (GRCh38, 1-based): chr3:100,748,467, C>A. VCF-style: chr3-100748467-C-A. GRCh37 (hg19) VCF-style: chr3-100467311-C-A.
Other names: c.1139C>A, p.Pro380His (NM_001007565.2, NM_001195478.2); c.1127C>A, p.Pro376His (NM_001195479.2); short protein forms P376H, P380H.
Identifiers: ClinVar variation 3897041 (VCV003897041.1).